The following is an entry in ClinVar:

ClinVar aggregate classification (germline): Uncertain significance. Review status: criteria provided, multiple submitters, no conflicts (2 of 4 stars). 3 submissions from 3 submitters: Uncertain significance (3). Last evaluated 2025-06-01.

Conditions:
Monocytopenia with susceptibility to infections. Also called: Dendritic cell, monocyte, B lymphocyte, and natural killer lymphocyte deficiency; MONOCYTOPENIA AND MYCOBACTERIAL INFECTION SYNDROME; MONOCYTOPENIA WITH SUSCEPTIBILITY TO MYCOBACTERIAL, FUNGAL, AND PAPILLOMAVIRUS INFECTIONS AND MYELODYSPLASIA; COMBINED IMMUNODEFICIENCY WITH SUSCEPTIBILITY TO MYCOBACTERIAL, VIRAL, AND FUNGAL INFECTIONS; IMMUNODEFICIENCY 21; GATA2 DEFICIENCY. Identifiers: Orphanet 228423, MedGen C3280030, MONDO:0013607, OMIM 614172.
Deafness-lymphedema-leukemia syndrome. Also called: Lymphedema, primary, with myelodysplasia; Emberger syndrome. Identifiers: Orphanet 3226, MedGen C3279664, MONDO:0013540, OMIM 614038.
Inborn genetic diseases. Identifiers: MedGen C0950123, MeSH D030342.

Submissions (3):

Ambry Genetics
Classification: Uncertain significance for Inborn genetic diseases. Last evaluated: 2025-06-01. Review status: criteria provided, single submitter. Criteria: Ambry Variant Classification Scheme 2023. Collection method: clinical testing. Allele origin: germline.
Comment: The p.H21Y variant (also known as c.61C>T), located in coding exon 1 of the GATA2 gene, results from a C to T substitution at nucleotide position 61. The histidine at codon 21 is replaced by tyrosine, an amino acid with similar properties. This amino acid position is conserved. In addition, this alteration is predicted to be deleterious by in silico analysis. Based on the available evidence, the clinical significance of this variant remains unclear.

Labcorp Genetics (formerly Invitae), Labcorp
Classification: Uncertain significance for Monocytopenia with susceptibility to infections; Deafness-lymphedema-leukemia syndrome. Last evaluated: 2023-10-23. Review status: criteria provided, single submitter. Criteria: Invitae Variant Classification Sherloc (09022015). Collection method: clinical testing. Allele origin: germline.
Comment: This sequence change replaces histidine, which is basic and polar, with tyrosine, which is neutral and polar, at codon 21 of the GATA2 protein (p.His21Tyr). The frequency data for this variant in the population databases is considered unreliable, as metrics indicate poor data quality at this position in the gnomAD database. This variant has not been reported in the literature in individuals affected with GATA2-related conditions. ClinVar contains an entry for this variant (Variation ID: 2432048). Advanced modeling of protein sequence and biophysical properties (such as structural, functional, and spatial information, amino acid conservation, physicochemical variation, residue mobility, and thermodynamic stability) has been performed at Invitae for this missense variant, however the output from this modeling did not meet the statistical confidence thresholds required to predict the impact of this variant on GATA2 protein function. In summary, the available evidence is currently insufficient to determine the role of this variant in disease. Therefore, it has been classified as a Variant of Uncertain Significance.

Revvity Omics, Revvity
Classification: Uncertain significance. Last evaluated: 2021-10-29. Review status: criteria provided, single submitter. Criteria: ACMG Guidelines, 2015. Collection method: clinical testing. Allele origin: germline.

NM_032638.5(GATA2):c.61C>T (p.His21Tyr)

Gene: GATA2 (GATA binding protein 2; minus strand). Cytogenetic location: 3q21.3.
Variant type: single nucleotide variant.
Coding change: c.61C>T on transcript NM_032638.5 (MANE Select); coding-DNA position 61, C replaced by T.
Protein change: p.His21Tyr; replaces histidine 21 with tyrosine.
Molecular consequence: missense variant.
Genome position (GRCh38, 1-based): chr3:128,486,971, G>A on the plus strand (C>T on the coding strand, the complement: GATA2 is on the minus strand). VCF-style: chr3-128486971-G-A. GRCh37 (hg19) VCF-style: chr3-128205814-G-A.
Other names: c.61C>T, p.His21Tyr (NM_001145661.2, NM_001145662.1); short protein forms H21Y.
Identifiers: ClinVar variation 2432048 (VCV002432048.7), dbSNP rs1416953141, ClinGen allele CA354409102.